The following is an entry in ClinVar:

ClinVar aggregate classification (germline): Pathogenic (1 of 4 stars; one submission).

Submission:

Illumina Laboratory Services, Illumina
Classification: Pathogenic. Last evaluated: 2019-01-28. Review status: criteria provided, single submitter. Criteria: ICSL CNVClassificationCriteria Jul2020Prior. Collection method: clinical testing. Allele origin: unknown.
Comment: This CNV is a 1.1 Mb deletion of 22q13.33, on chromosome 22, (seq[GRCh37]del(22)(q13.33qter); chr22:g.50099570_51187115del). This CNV constitutes a terminal deletion encompassing at least 35 genes, including the SHANK3 gene. This CNV overlaps the well-described 22q13.3 deletion syndrome, also known as the Phelan-McDermid syndrome. More than 1,500 individuals with Phelan-McDermid syndrome, the majority of whom have a deletion at 22q13.3, are described in the literature and/or registered with the Phelan-McDermid syndrome Foundation (Phelan et al. 2018). Based on the collective evidence, this CNV is classified as pathogenic.

Literature cited by the submitters: PubMed 20301377; PubMed 29358616.

GRCh37/hg19 22q13.33(chr22:50099570-51187115)x1

Genes: ACR (acrosin; plus strand), ADM2 (adrenomedullin 2; plus strand), ALG12 (ALG12 alpha-1,6-mannosyltransferase; minus strand), ARSA (arylsulfatase A; minus strand), BRD1 (bromodomain containing 1; minus strand) and 30 more. Cytogenetic location: 22q13.33.
Variant type: copy number loss.
Change: copy number 1 (one copy instead of two) of chr22:50,099,570-51,187,115 (1.09 Mb, GRCh37 coordinates, 1-based), cytogenetic band 22q13.33.
Identifiers: ClinVar variation 1180542 (VCV001180542.4).